The following is an entry in ClinVar:

NM_000264.5(PTCH1):c.4298A>G (p.Gln1433Arg)

Gene: PTCH1 (patched 1; minus strand). Cytogenetic location: 9q22.32.
Variant type: single nucleotide variant.
Coding change: c.4298A>G on transcript NM_000264.5 (MANE Select); coding-DNA position 4298, A replaced by G.
Protein change: p.Gln1433Arg; replaces glutamine 1433 with arginine.
Molecular consequence: missense variant. On other transcripts: non-coding transcript variant (1).
Genome position (GRCh38, 1-based): chr9:95,446,958, T>C on the plus strand (A>G on the coding strand, the complement: PTCH1 is on the minus strand). VCF-style: chr9-95446958-T-C. GRCh37 (hg19) VCF-style: chr9-98209240-T-C.
Other names: c.4100A>G, p.Gln1367Arg (NM_001083602.3); c.4295A>G, p.Gln1432Arg (NM_001083603.3); c.3845A>G, p.Gln1282Arg (NM_001083604.3, NM_001083605.3, NM_001083606.3 and 1 more transcripts); c.4142A>G, p.Gln1381Arg (NM_001354918.2); short protein forms Q1367R, Q1282R, Q1381R, Q1432R, Q1433R.
Identifiers: ClinVar variation 3939984 (VCV003939984.1).

ClinVar aggregate classification (germline): Uncertain significance (1 of 4 stars; one submission).

Conditions:
Hereditary cancer-predisposing syndrome. Also called: Tumor predisposition; Hereditary neoplastic syndrome; Hereditary Cancer Syndrome; Neoplastic Syndromes, Hereditary. Identifiers: Orphanet 140162, MedGen C0027672, MeSH D009386, MONDO:0015356.

Submission:

Ambry Genetics
Classification: Uncertain significance for Hereditary cancer-predisposing syndrome. Last evaluated: 2025-05-27. Review status: criteria provided, single submitter. Criteria: Ambry Variant Classification Scheme 2023. Collection method: clinical testing. Allele origin: germline.
Comment: The p.Q1433R variant (also known as c.4298A>G), located in coding exon 23 of the PTCH1 gene, results from an A to G substitution at nucleotide position 4298. The glutamine at codon 1433 is replaced by arginine, an amino acid with highly similar properties. This amino acid position is conserved. In addition, this alteration is predicted to be deleterious by in silico analysis. Based on the available evidence, the clinical significance of this variant remains unclear.